The following is an entry in ClinVar:

NM_001127511.3(APC):c.-185A>G

Genes: APC (APC regulator of Wnt signaling pathway; plus strand), LOC129994371 (ATAC-STARR-seq lymphoblastoid active region 22910; plus strand). Cytogenetic location: 5q22.2.
Variant type: single nucleotide variant.
Coding change: c.-185A>G on transcript NM_001127511.3; 185 bases upstream of the start codon, A replaced by G.
Molecular consequence: 5 prime UTR variant. On other transcripts: non-coding transcript variant (2).
Genome position (GRCh38, 1-based): chr5:112,707,533, A>G. VCF-style: chr5-112707533-A-G. GRCh37 (hg19) VCF-style: chr5-112043230-A-G.
Other names: c.-368A>G (NM_001354895.2, NM_001407447.1, NM_001407452.1 and 3 more transcripts); c.-185A>G (NM_001354897.2, NM_001354902.2, NM_001407446.1); c.-135A>G (NM_001407448.1, NM_001407450.1, NM_001407457.1 and 1 more transcripts); c.-159A>G (NM_001407453.1); c.-1403A>G (NM_001407470.1, NM_001407472.1).
Identifiers: ClinVar variation 3655358 (VCV003655358.2).
Genomic context (GRCh38, chr5:112,707,533, plus strand): 5'-AGCCAGCAACACCTCTCACGCATGCGCATTGTAGTCTTCCCACCTCCCACAAGATGGCGG[A>G]GGGCAAGTAGCAAGGGGGCGGGGTGTGGCCGCCGGAAGCCTAGCCGCTGCTCGGGGGGGA-3'

ClinVar aggregate classification (germline): Uncertain significance (1 of 4 stars; one submission).

Conditions:
Familial adenomatous polyposis 1 (FAP1). Also called: FAMILIAL ADENOMATOUS POLYPOSIS 1, ATTENUATED; POLYPOSIS, ADENOMATOUS INTESTINAL. Identifiers: MedGen C2713442, MONDO:0021056, OMIM 175100. Disease mechanism: loss of function.

gnomAD v4.1: 2 of 491,660 alleles (0.00041%); highest among the groups gnomAD compares: East Asian, 0.008%; no homozygotes.

Submission:

Labcorp Genetics (formerly Invitae), Labcorp
Classification: Uncertain significance for Familial adenomatous polyposis 1. Last evaluated: 2024-06-03. Review status: criteria provided, single submitter. Criteria: Invitae Variant Classification Sherloc (09022015). Collection method: clinical testing. Allele origin: germline.
Comment: This variant occurs in a non-coding region of the APC gene. It does not change the encoded amino acid sequence of the APC protein. This variant is present in population databases (no rsID available, gnomAD 0.06%). This variant has not been reported in the literature in individuals affected with APC-related conditions. Experimental studies and prediction algorithms are not available or were not evaluated, and the functional significance of this variant is currently unknown. In summary, the available evidence is currently insufficient to determine the role of this variant in disease. Therefore, it has been classified as a Variant of Uncertain Significance.